The following is an entry in ClinVar:

ClinVar aggregate classification (germline): Uncertain significance (1 of 4 stars; one submission).

Submission:

Labcorp Genetics (formerly Invitae), Labcorp
Classification: Uncertain significance. Last evaluated: 2021-09-02. Review status: criteria provided, single submitter. Criteria: Invitae Variant Classification Sherloc (09022015). Collection method: clinical testing. Allele origin: germline.
Comment: This variant is not present in population databases (ExAC no frequency). This variant has not been reported in the literature in individuals affected with VCAN-related conditions. Algorithms developed to predict the effect of missense changes on protein structure and function (SIFT, PolyPhen-2, Align-GVGD) all suggest that this variant is likely to be tolerated. This sequence change replaces lysine with glutamic acid at codon 2412 of the VCAN protein (p.Lys2412Glu). The lysine residue is highly conserved and there is a small physicochemical difference between lysine and glutamic acid. In summary, the available evidence is currently insufficient to determine the role of this variant in disease. Therefore, it has been classified as a Variant of Uncertain Significance.

NM_004385.5(VCAN):c.7234A>G (p.Lys2412Glu)

Genes: VCAN (versican; plus strand), VCAN-AS1 (VCAN antisense RNA 1; minus strand). Cytogenetic location: 5q14.3.
Variant type: single nucleotide variant.
Coding change: c.7234A>G on transcript NM_004385.5 (MANE Select); coding-DNA position 7234, A replaced by G.
Protein change: p.Lys2412Glu; replaces lysine 2412 with glutamic acid.
Molecular consequence: missense variant. On other transcripts: intron variant (2).
Genome position (GRCh38, 1-based): chr5:83,540,237, A>G. VCF-style: chr5-83540237-A-G. GRCh37 (hg19) VCF-style: chr5-82836056-A-G.
Other names: c.4273A>G, p.Lys1425Glu (NM_001164097.2); c.4004-5300A>G (NM_001164098.2); c.1043-5300A>G (NM_001126336.3); short protein forms K1425E, K2412E.
Identifiers: ClinVar variation 1397153 (VCV001397153.6), dbSNP rs2112446791, ClinGen allele CA360314301.